The following is an entry in ClinVar:

ClinVar aggregate classification (germline): Uncertain significance (1 of 4 stars; one submission).

Allele frequency attached by ClinVar (database versions not stated): TOPMed below 0.00001; gnomAD 0.00001; gnomAD exomes 0.00003; ExAC 0.00005.
gnomAD v4.1: 47 of 1,613,358 alleles (0.0029%); highest among the groups gnomAD compares: East Asian, 0.031%; no homozygotes.

Submission:

Labcorp Genetics (formerly Invitae), Labcorp
Classification: Uncertain significance. Last evaluated: 2025-01-20. Review status: criteria provided, single submitter. Criteria: Invitae Variant Classification Sherloc (09022015). Collection method: clinical testing. Allele origin: germline.
Comment: This sequence change replaces arginine, which is basic and polar, with histidine, which is basic and polar, at codon 534 of the TBXAS1 protein (p.Arg534His). This variant is present in population databases (rs761818836, gnomAD 0.03%). This variant has not been reported in the literature in individuals affected with TBXAS1-related conditions. ClinVar contains an entry for this variant (Variation ID: 2183493). An algorithm developed to predict the effect of missense changes on protein structure and function (PolyPhen-2) suggests that this variant is likely to be disruptive. In summary, the available evidence is currently insufficient to determine the role of this variant in disease. Therefore, it has been classified as a Variant of Uncertain Significance.

NM_001061.7(TBXAS1):c.1598G>A (p.Arg533His)

Gene: TBXAS1 (thromboxane A synthase 1; plus strand). Cytogenetic location: 7q34.
Variant type: single nucleotide variant.
Coding change: c.1598G>A on transcript NM_001061.7 (MANE Select); coding-DNA position 1598, G replaced by A.
Protein change: p.Arg533His; replaces arginine 533 with histidine.
Molecular consequence: missense variant. On other transcripts: 3 prime UTR variant (1).
Genome position (GRCh38, 1-based): chr7:140,020,095, G>A. VCF-style: chr7-140020095-G-A. GRCh37 (hg19) VCF-style: chr7-139719895-G-A.
Other names: c.1598G>A, p.Arg533His (NM_001130966.5); c.1736G>A, p.Arg579His (NM_001166253.4); c.1397G>A, p.Arg466His (NM_001166254.4); c.1541G>A, p.Arg514His (NM_001314028.4); c.1415G>A, p.Arg472His (NM_001366537.3); c.*55G>A (NM_030984.6); short protein forms R472H, R514H, R579H, R466H, R580H, R533H, R534H.
Identifiers: ClinVar variation 2183493 (VCV002183493.3), dbSNP rs761818836, ClinGen allele CA4512113.